The following is an entry in ClinVar:

ClinVar aggregate classification (germline): Uncertain significance (1 of 4 stars; one submission).

Conditions:
Vici syndrome (VICIS). Identifiers: Orphanet 1493, MedGen C1855772, MONDO:0009452, OMIM 242840.

Submission:

Labcorp Genetics (formerly Invitae), Labcorp
Classification: Uncertain significance for Vici syndrome. Last evaluated: 2020-12-04. Review status: criteria provided, single submitter. Criteria: Invitae Variant Classification Sherloc (09022015). Collection method: clinical testing. Allele origin: germline.
Comment: This variant has not been reported in the literature in individuals with EPG5-related conditions. This variant is not present in population databases (ExAC no frequency). This sequence change replaces proline with serine at codon 1635 of the EPG5 protein (p.Pro1635Ser). The proline residue is moderately conserved and there is a moderate physicochemical difference between proline and serine. Algorithms developed to predict the effect of missense changes on protein structure and function are either unavailable or do not agree on the potential impact of this missense change (SIFT: "Tolerated"; PolyPhen-2: "Probably Damaging"; Align-GVGD: "Class C0"). In summary, the available evidence is currently insufficient to determine the role of this variant in disease. Therefore, it has been classified as a Variant of Uncertain Significance.

NM_020964.3(EPG5):c.4903C>T (p.Pro1635Ser)

Gene: EPG5 (ectopic P-granules 5 autophagy tethering factor; minus strand). Cytogenetic location: 18q12.3.
Variant type: single nucleotide variant.
Coding change: c.4903C>T on transcript NM_020964.3 (MANE Select); coding-DNA position 4903, C replaced by T.
Protein change: p.Pro1635Ser; replaces proline 1635 with serine.
Molecular consequence: missense variant.
Genome position (GRCh38, 1-based): chr18:45,889,847, G>A on the plus strand (C>T on the coding strand, the complement: EPG5 is on the minus strand). VCF-style: chr18-45889847-G-A. GRCh37 (hg19) VCF-style: chr18-43469812-G-A.
Other names: short protein forms P1635S.
Identifiers: ClinVar variation 1490832 (VCV001490832.9), dbSNP rs2145491502, ClinGen allele CA402346906.